The following is an entry in ClinVar:

ClinVar aggregate classification (germline): Uncertain significance. Review status: criteria provided, multiple submitters, no conflicts (2 of 4 stars). 2 submissions from 2 submitters: Uncertain significance (2). Last evaluated 2024-11-05.

Conditions:
Inborn genetic diseases. Identifiers: MedGen C0950123, MeSH D030342.

gnomAD v4.1: 3 of 1,329,562 alleles (0.00023%); highest among the groups gnomAD compares: Non-Finnish European, 0.000095%; no homozygotes.

Submissions (2):

Labcorp Genetics (formerly Invitae), Labcorp
Classification: Uncertain significance. Last evaluated: 2024-11-05. Review status: criteria provided, single submitter. Criteria: Invitae Variant Classification Sherloc (09022015). Collection method: clinical testing. Allele origin: germline.
Comment: This sequence change replaces threonine, which is neutral and polar, with isoleucine, which is neutral and non-polar, at codon 194 of the HES7 protein (p.Thr194Ile). This variant is not present in population databases (gnomAD no frequency). This variant has not been reported in the literature in individuals affected with HES7-related conditions. ClinVar contains an entry for this variant (Variation ID: 1501145). An algorithm developed to predict the effect of missense changes on protein structure and function (PolyPhen-2) suggests that this variant is likely to be disruptive. In summary, the available evidence is currently insufficient to determine the role of this variant in disease. Therefore, it has been classified as a Variant of Uncertain Significance.

Ambry Genetics
Classification: Uncertain significance for Inborn genetic diseases. Last evaluated: 2024-04-18. Review status: criteria provided, single submitter. Criteria: Ambry Variant Classification Scheme 2023. Collection method: clinical testing. Allele origin: germline.

NM_001165967.2(HES7):c.596C>T (p.Thr199Ile)

Genes: HES7 (hes family bHLH transcription factor 7; minus strand), LOC130060203 (ATAC-STARR-seq lymphoblastoid silent region 8155; plus strand). Cytogenetic location: 17p13.1.
Variant type: single nucleotide variant.
Coding change: c.596C>T on transcript NM_001165967.2 (MANE Select); coding-DNA position 596, C replaced by T.
Protein change: p.Thr199Ile; replaces threonine 199 with isoleucine.
Molecular consequence: missense variant.
Genome position (GRCh38, 1-based): chr17:8,121,668, G>A on the plus strand (C>T on the coding strand, the complement: HES7 is on the minus strand). VCF-style: chr17-8121668-G-A. GRCh37 (hg19) VCF-style: chr17-8024986-G-A.
Other names: c.581C>T, p.Thr194Ile (NM_032580.4); c.581C>T (NM_032580.3); short protein forms T194I, T199I.
Identifiers: ClinVar variation 1501145 (VCV001501145.7), dbSNP rs1365151656, ClinGen allele CA397987298.